The following is an entry in ClinVar:

ClinVar aggregate classification (germline): Likely pathogenic (1 of 4 stars; one submission).

Conditions:
Deficiency of alpha-mannosidase (MANSA). Also called: Mannosidosis, alpha-, types I and II; Alpha-Mannosidosis; LYSOSOMAL ALPHA-D-MANNOSIDASE DEFICIENCY. Identifiers: Orphanet 61, MedGen C0024748, MONDO:0009561, OMIM 248500.

Submission:

Myriad Genetics, Inc.
Classification: Likely pathogenic for Deficiency of alpha-mannosidase. Last evaluated: 2019-08-05. Review status: criteria provided, single submitter. Criteria: Myriad Women's Health Autosomal Recessive and X-Linked Classification Criteria (2019). Collection method: clinical testing. Allele origin: unknown.
Comment: NM_000528.3(MAN2B1):c.2091T>A(C697*) is expected to be pathogenic in the context of alpha-mannosidosis. This variant is predicted to lead to an abnormal or absent protein product due to the creation of a premature termination codon in MAN2B1, a gene where loss-of-function variants are known to be pathogenic. Please note: this variant was assessed in the context of healthy population screening.

NM_000528.4(MAN2B1):c.2091T>A (p.Cys697Ter)

Gene: MAN2B1 (mannosidase alpha class 2B member 1; minus strand). Cytogenetic location: 19p13.13.
Variant type: single nucleotide variant.
Coding change: c.2091T>A on transcript NM_000528.4 (MANE Select); coding-DNA position 2091, T replaced by A.
Protein change: p.Cys697Ter; replaces cysteine 697 with a stop codon.
Molecular consequence: nonsense.
Genome position (GRCh38, 1-based): chr19:12,650,178, A>T on the plus strand (T>A on the coding strand, the complement: MAN2B1 is on the minus strand). VCF-style: chr19-12650178-A-T. GRCh37 (hg19) VCF-style: chr19-12760992-A-T.
Other names: c.2088T>A, p.Cys696Ter (NM_001173498.2); short protein forms C696*, C697*.
Identifiers: ClinVar variation 984114 (VCV000984114.3), dbSNP rs2023809176, ClinGen allele CA404243452.